The following is an entry in ClinVar:

NM_000350.3(ABCA4):c.3814-2A>T

Genes: ABCA4 (ATP binding cassette subfamily A member 4; minus strand), LOC126805794 (BRD4-independent group 4 enhancer GRCh37_chr1:94502188-94503387; plus strand). Cytogenetic location: 1p22.1.
Variant type: single nucleotide variant.
Coding change: c.3814-2A>T on transcript NM_000350.3 (MANE Select); the canonical splice acceptor site of the intron before coding-DNA position 3814, A replaced by T.
Molecular consequence: splice acceptor variant.
Genome position (GRCh38, 1-based): chr1:94,036,790, T>A on the plus strand (A>T on the coding strand, the complement: ABCA4 is on the minus strand). VCF-style: chr1-94036790-T-A. GRCh37 (hg19) VCF-style: chr1-94502346-T-A.
Identifiers: ClinVar variation 1333445 (VCV001333445.2), dbSNP rs1660350150, ClinGen allele CA341288468.

ClinVar aggregate classification (germline): Pathogenic. Review status: criteria provided, single submitter (1 of 4 stars). 2 submissions from 2 submitters: Pathogenic (1). 1 of the submissions does not count toward it. Last evaluated 2022-01-03.

Conditions:
Retinitis pigmentosa 19 (RP19). Also called: ABCA4-Related Retinitis Pigmentosa. Identifiers: Orphanet 791, MedGen C1866422, MONDO:0011137, OMIM 601718.
Stargardt disease (FFM). Also called: Fundus flavimaculatus; Stargardt's disease. Identifiers: Orphanet 827, MedGen C0271093, MONDO:0019353.

Submissions (2):

3billion
Classification: Pathogenic for Retinitis pigmentosa 19. Last evaluated: 2022-01-03. Review status: criteria provided, single submitter. Criteria: ACMG Guidelines, 2015. Collection method: clinical testing. Allele origin: germline. Affected: yes. Observed: 1 homozygote.
Comment: Canonical splice site: predicted to alter splicing and result in a loss or disruption of normal protein function through protein truncation. Multiple pathogenic variants are reported in the predicted truncated region (PVS1_VS).The variant has been reported to be associated with ABCA4 related disorder (3billion dataset). It is not observed in the gnomAD v2.1.1 dataset (PM2_M). Therefore, this variant is classified as pathogenic according to the recommendation of ACMG/AMP guideline.

Ophthalmo-Genetics Lab, Instituto de Oftalmologia Conde de Valenciana
Classification: Pathogenic for Stargardt disease. Last evaluated: 2022-12-19. Review status: no assertion criteria provided. Collection method: research. Allele origin: biparental. Inheritance: Autosomal recessive inheritance. Affected: yes. Observed: 1 compound heterozygote. Not counted in ClinVar's aggregate classification.
Comment: PVS1,PM2,PP5

Literature cited by the submitters: PubMed 30578500 (cited by Ophthalmo-Genetics Lab, Instituto de Oftalmologia Conde de Valenciana).